The following is an entry in ClinVar:

ClinVar aggregate classification (germline): Uncertain significance (0 of 4 stars; one submission).

Conditions:
ZBTB18-related disorder. Also called: ZBTB18-related condition.

Submission:

PreventionGenetics, part of Exact Sciences
Classification: Uncertain significance for ZBTB18-related condition. Last evaluated: 2024-09-03. Review status: no assertion criteria provided. Collection method: clinical testing. Allele origin: germline.
Comment: The ZBTB18 c.1484G>T variant is predicted to result in the amino acid substitution p.Arg495Leu. To our knowledge, this variant has not been reported in the literature or in a large population database, indicating this variant is rare. Of note, other variants impacting p.Arg495 have been reported with uncertain significance in association with nonsyndromic intellectual disability [c.1483C>G (p.Arg495Gly), Supplementary Table S2, reported as Arg486Gly via NM_006352.3, Rauch et al. 2012. PubMed ID: 23020937] and neurodevelopmental disorder [c.1483C>T (p.Arg495Cys), Supplementary Data 5, Wang et al. 2020. PubMed ID: 33004838]. At this time, the clinical significance of the c.1484G>T (p.Arg495Leu) variant is uncertain due to the absence of conclusive functional and genetic evidence.

NM_205768.3(ZBTB18):c.1484G>T (p.Arg495Leu)

Gene: ZBTB18 (zinc finger and BTB domain containing 18; plus strand). Cytogenetic location: 1q44.
Variant type: single nucleotide variant.
Coding change: c.1484G>T on transcript NM_205768.3 (MANE Select); coding-DNA position 1484, G replaced by T.
Protein change: p.Arg495Leu; replaces arginine 495 with leucine.
Molecular consequence: missense variant. On other transcripts: 3 prime UTR variant (1).
Genome position (GRCh38, 1-based): chr1:244,055,258, G>T. VCF-style: chr1-244055258-G-T. GRCh37 (hg19) VCF-style: chr1-244218560-G-T.
Other names: c.1457G>T, p.Arg486Leu (NM_001278196.2, NM_006352.5); c.*661G>T (NM_001421566.1); short protein forms R486L, R495L.
Identifiers: ClinVar variation 3344350 (VCV003344350.1).